The following is an entry in ClinVar:

ClinVar aggregate classification (germline): Uncertain significance (1 of 4 stars; one submission).

Conditions:
Hereditary cancer-predisposing syndrome. Also called: Hereditary Cancer Syndrome; Hereditary neoplastic syndrome; Neoplastic Syndromes, Hereditary; Tumor predisposition. Identifiers: Orphanet 140162, MedGen C0027672, MeSH D009386, MONDO:0015356.

Allele frequency attached by ClinVar (database versions not stated): gnomAD exomes below 0.00001.
gnomAD v4.1: 1 of 1,613,970 alleles (0.000062%); highest among the groups gnomAD compares: Non-Finnish European, 0.000085%; no homozygotes.

Submission:

Sema4
Classification: Uncertain significance for Hereditary cancer-predisposing syndrome. Last evaluated: 2021-12-21. Review status: criteria provided, single submitter. Criteria: Sema4 Curation Guidelines. Collection method: curation. Allele origin: germline.
Comment: The FH c.881C>T (p.A294V) variant has not been reported in the literature to our knowledge. It was not observed in the Genome Aggregation Database (PMID: 32461654). The variant has not been reported in ClinVar. In silico tools suggest the impact of the variant on protein function is deleterious, though these predictions have not been confirmed by functional studies. The evidence is insufficient to meet ACMG/AMP criteria for classifying the variant as benign or pathogenic. Thus, the clinical significance of this variant is currently uncertain.

NM_000143.4(FH):c.881C>T (p.Ala294Val)

Gene: FH (fumarate hydratase; minus strand). Cytogenetic location: 1q43.
Variant type: single nucleotide variant.
Coding change: c.881C>T on transcript NM_000143.4 (MANE Select); coding-DNA position 881, C replaced by T.
Protein change: p.Ala294Val; replaces alanine 294 with valine.
Molecular consequence: missense variant.
Genome position (GRCh38, 1-based): chr1:241,506,026, G>A on the plus strand (C>T on the coding strand, the complement: FH is on the minus strand). VCF-style: chr1-241506026-G-A. GRCh37 (hg19) VCF-style: chr1-241669326-G-A.
Other names: short protein forms A294V.
Identifiers: ClinVar variation 1692244 (VCV001692244.1), dbSNP rs147437099, ClinGen allele CA40328124.